The following is an entry in ClinVar:

ClinVar aggregate classification (germline): Uncertain significance (1 of 4 stars; one submission).

gnomAD v4.1: 4 of 1,614,092 alleles (0.00025%); highest among the groups gnomAD compares: Middle Eastern, 0.016%; no homozygotes.

Submission:

Women's Health and Genetics/Laboratory Corporation of America, LabCorp
Classification: Uncertain significance. Last evaluated: 2024-09-24. Review status: criteria provided, single submitter. Criteria: LabCorp Variant Classification Summary - May 2015. Collection method: clinical testing. Allele origin: germline.
Comment: Variant summary: SYNE1 c.8608C>T (p.Leu2870Phe) results in a non-conservative amino acid change in the encoded protein sequence. Four of five in-silico tools predict a damaging effect of the variant on protein function. The variant allele was found at a frequency of 2.5e-06 in 1614092 control chromosomes (gnomAD database v4). The available data on variant occurrences in the general population are insufficient to allow any conclusion about variant significance. To our knowledge, no occurrence of c.8608C>T in individuals affected with SYNE1-Related Disorders and no experimental evidence demonstrating its impact on protein function have been reported. No submitters have cited clinical-significance assessments for this variant to ClinVar. Based on the evidence outlined above, the variant was classified as uncertain significance.

NM_182961.4(SYNE1):c.8587C>T (p.Leu2863Phe)

Genes: SYNE1 (spectrin repeat containing nuclear envelope protein 1; minus strand), LOC126859838 (CDK7 strongly-dependent group 2 enhancer GRCh37_chr6:152706655-152707854; plus strand). Cytogenetic location: 6q25.2.
Variant type: single nucleotide variant.
Coding change: c.8587C>T on transcript NM_182961.4 (MANE Select); coding-DNA position 8587, C replaced by T.
Protein change: p.Leu2863Phe; replaces leucine 2863 with phenylalanine.
Molecular consequence: missense variant.
Genome position (GRCh38, 1-based): chr6:152,385,739, G>A on the plus strand (C>T on the coding strand, the complement: SYNE1 is on the minus strand). VCF-style: chr6-152385739-G-A. GRCh37 (hg19) VCF-style: chr6-152706874-G-A.
Other names: c.8608C>T, p.Leu2870Phe (NM_033071.5); short protein forms L2863F, L2870F.
Identifiers: ClinVar variation 3375264 (VCV003375264.1).